The following is an entry in ClinVar:

NM_199420.4(POLQ):c.2354T>G (p.Leu785Arg)

Gene: POLQ (DNA polymerase theta; minus strand). Cytogenetic location: 3q13.33.
Variant type: single nucleotide variant.
Coding change: c.2354T>G on transcript NM_199420.4 (MANE Select); coding-DNA position 2354, T replaced by G.
Protein change: p.Leu785Arg; replaces leucine 785 with arginine.
Molecular consequence: missense variant.
Genome position (GRCh38, 1-based): chr3:121,493,646, A>C on the plus strand (T>G on the coding strand, the complement: POLQ is on the minus strand). VCF-style: chr3-121493646-A-C. GRCh37 (hg19) VCF-style: chr3-121212493-A-C.
Other names: short protein forms L785R.
Identifiers: ClinVar variation 2448938 (VCV002448938.2), dbSNP rs2546790808, ClinGen allele CA354108102.

ClinVar aggregate classification (germline): Uncertain significance (1 of 4 stars; one submission).

Submission:

Ambry Genetics
Classification: Uncertain significance. Last evaluated: 2022-12-15. Review status: criteria provided, single submitter. Criteria: Ambry Variant Classification Scheme 2023. Collection method: clinical testing. Allele origin: germline.
Comment: The p.L785R variant (also known as c.2354T>G), located in coding exon 15 of the POLQ gene, results from a T to G substitution at nucleotide position 2354. The leucine at codon 785 is replaced by arginine, an amino acid with dissimilar properties. This amino acid position is conserved. In addition, this alteration is predicted to be deleterious by in silico analysis. Since supporting evidence is limited at this time, the clinical significance of this alteration remains unclear.